The following is an entry in ClinVar:

ClinVar aggregate classification (germline): Uncertain significance (1 of 4 stars; one submission).

Conditions:
Ullrich congenital muscular dystrophy 2 (UCMD2). Identifiers: Orphanet 75840, MedGen C4225314, MONDO:0014654, OMIM 616470.
Bethlem myopathy 2 (BTHLM2). Identifiers: Orphanet 536516, Orphanet 610, MedGen C4225313, MONDO:0034022, OMIM 616471.

Allele frequency attached by ClinVar (database versions not stated): gnomAD exomes below 0.00001.
gnomAD v4.1: 4 of 1,611,680 alleles (0.00025%); highest among the groups gnomAD compares: South Asian, 0.0044%; no homozygotes.

Submission:

Labcorp Genetics (formerly Invitae), Labcorp
Classification: Uncertain significance for Bethlem myopathy 2; Ullrich congenital muscular dystrophy 2. Last evaluated: 2025-01-05. Review status: criteria provided, single submitter. Criteria: Invitae Variant Classification Sherloc (09022015). Collection method: clinical testing. Allele origin: germline.
Comment: This sequence change falls in intron 25 of the COL12A1 gene. It does not directly change the encoded amino acid sequence of the COL12A1 protein. This variant is present in population databases (rs760400763, gnomAD 0.003%). This variant has not been reported in the literature in individuals affected with COL12A1-related conditions. ClinVar contains an entry for this variant (Variation ID: 2133396). Algorithms developed to predict the effect of sequence changes on RNA splicing suggest that this variant may disrupt the consensus splice site. In summary, the available evidence is currently insufficient to determine the role of this variant in disease. Therefore, it has been classified as a Variant of Uncertain Significance.

NM_004370.6(COL12A1):c.4691-8T>A

Gene: COL12A1 (collagen type XII alpha 1 chain; minus strand). Cytogenetic location: 6q13.
Variant type: single nucleotide variant.
Coding change: c.4691-8T>A on transcript NM_004370.6 (MANE Select); 8 bases into the intron before coding-DNA position 4691, T replaced by A.
Molecular consequence: intron variant.
Genome position (GRCh38, 1-based): chr6:75,143,396, A>T on the plus strand (T>A on the coding strand, the complement: COL12A1 is on the minus strand). VCF-style: chr6-75143396-A-T. GRCh37 (hg19) VCF-style: chr6-75853112-A-T.
Other names: c.1199-8T>A (NM_080645.3).
Identifiers: ClinVar variation 2133396 (VCV002133396.4), dbSNP rs760400763, ClinGen allele CA140999817.